The following is an entry in ClinVar:

ClinVar aggregate classification (germline): Conflicting classifications of pathogenicity. Review status: criteria provided, conflicting classifications (1 of 4 stars). 5 submissions from 5 submitters: Uncertain significance (1); Benign (1); Likely benign (2). 1 of the submissions does not count toward it. Last evaluated 2025-12-01.

Conditions:
Inborn genetic diseases. Identifiers: MedGen C0950123, MeSH D030342.
Occult macular dystrophy (OCMD). Also called: OMD; OCCULT MACULAR DYSTROPHY, SUSCEPTIBILITY TO. Identifiers: Orphanet 247834, MedGen C3150833, MONDO:0013316, OMIM 613587, HP:0030636.
RP1L1-related disorder. Also called: RP1L1-related condition.

Allele frequency attached by ClinVar (database versions not stated): gnomAD below 0.00001 and 0.00011; TOPMed 0.00003; 1000 Genomes Project 30x 0.00016; 1000 Genomes Project 0.00020; gnomAD exomes 0.00030 and 0.00055; ExAC 0.00057.
gnomAD v4.1: 456 of 1,613,498 alleles (0.028%); highest among the groups gnomAD compares: South Asian, 0.46%; 6 homozygotes.

Submissions (5):

CeGaT Center for Human Genetics Tuebingen
Classification: Likely benign. Last evaluated: 2025-12-01. Review status: criteria provided, single submitter. Criteria: CeGaT Center For Human Genetics Tuebingen Variant Classification Criteria Version 2. Collection method: clinical testing. Allele origin: germline. Affected: yes. Observed: 1 variant allele.
Comment: RP1L1: BP4

Blueprint Genetics
Classification: Likely benign. Last evaluated: 2024-11-13. Review status: criteria provided, single submitter. Criteria: ACMG Guidelines, 2015. Collection method: clinical testing. Allele origin: germline.

Ambry Genetics
Classification: Uncertain significance for Inborn genetic diseases. Last evaluated: 2024-04-08. Review status: criteria provided, single submitter. Criteria: Ambry Variant Classification Scheme 2023. Collection method: clinical testing. Allele origin: germline.

Illumina Laboratory Services, Illumina
Classification: Benign for Occult macular dystrophy. Last evaluated: 2018-01-13. Review status: criteria provided, single submitter. Criteria: ICSL Variant Classification Criteria 13 December 2019. Collection method: clinical testing. Allele origin: germline.
Comment: This variant was observed in the ICSL laboratory as part of a predisposition screen in an ostensibly healthy population. It had not been previously curated by ICSL or reported in the Human Gene Mutation Database (HGMD: prior to June 1st, 2018), and was therefore a candidate for classification through an automated scoring system. Utilizing variant allele frequency, disease prevalence and penetrance estimates, and inheritance mode, an automated score was calculated to assess if this variant is too frequent to cause the disease. Based on the score and internal cut-off values, a variant classified as benign is not then subjected to further curation. The score for this variant resulted in a classification of benign for this disease.

PreventionGenetics, part of Exact Sciences
Classification: Likely benign for RP1L1-related condition. Last evaluated: 2023-05-04. Review status: no assertion criteria provided. Collection method: clinical testing. Allele origin: germline. Not counted in ClinVar's aggregate classification.
Comment: This variant is classified as likely benign based on ACMG/AMP sequence variant interpretation guidelines (Richards et al. 2015 PMID: 25741868, with internal and published modifications).

NM_178857.6(RP1L1):c.2365G>A (p.Ala789Thr)

Gene: RP1L1 (RP1 like 1). Cytogenetic location: 8p23.1.
Variant type: single nucleotide variant.
Coding change: c.2365G>A on transcript NM_178857.6 (MANE Select); coding-DNA position 2365, G replaced by A.
Protein change: p.Ala789Thr; replaces alanine 789 with threonine.
Molecular consequence: missense variant.
Genome position (GRCh38, 1-based): chr8:10,611,733, C>T on the plus strand (G>A on the coding strand, the complement: RP1L1 is on the minus strand). VCF-style: chr8-10611733-C-T. GRCh37 (hg19) VCF-style: chr8-10469243-C-T.
Other names: short protein forms A789T.
Identifiers: ClinVar variation 361350 (VCV000361350.14), dbSNP rs535712025, ClinGen allele CA4624860.